The following is an entry in ClinVar:

ClinVar aggregate classification (germline): Uncertain significance (1 of 4 stars; one submission).

Conditions:
Ehlers-Danlos syndrome, classic type, 1 (EDSCL1). Also called: EHLERS-DANLOS SYNDROME, GRAVIS TYPE; EHLERS-DANLOS SYNDROME, SEVERE CLASSIC TYPE; Ehlers-Danlos syndrome, type 1; Ehlers-Danlos Syndrome, Classic Type, COL5A1-Related; EDS I. Identifiers: MedGen C0268335, MONDO:0019567, OMIM 130000.

Submission:

Labcorp Genetics (formerly Invitae), Labcorp
Classification: Uncertain significance for Ehlers-Danlos syndrome, classic type, 1. Last evaluated: 2021-04-28. Review status: criteria provided, single submitter. Criteria: Invitae Variant Classification Sherloc (09022015). Collection method: clinical testing. Allele origin: germline.
Comment: This variant is not present in population databases (ExAC no frequency). This sequence change replaces valine with isoleucine at codon 208 of the COL5A2 protein (p.Val208Ile). The valine residue is highly conserved and there is a small physicochemical difference between valine and isoleucine. In summary, the available evidence is currently insufficient to determine the role of this variant in disease. Therefore, it has been classified as a Variant of Uncertain Significance. Advanced modeling of protein sequence and biophysical properties (such as structural, functional, and spatial information, amino acid conservation, physicochemical variation, residue mobility, and thermodynamic stability) performed at Invitae indicates that this missense variant is not expected to disrupt COL5A2 protein function. This variant has not been reported in the literature in individuals with COL5A2-related conditions.

NM_000393.5(COL5A2):c.622G>A (p.Val208Ile)

Gene: COL5A2 (collagen type V alpha 2 chain; minus strand). Cytogenetic location: 2q32.2.
Variant type: single nucleotide variant.
Coding change: c.622G>A on transcript NM_000393.5 (MANE Select); coding-DNA position 622, G replaced by A.
Protein change: p.Val208Ile; replaces valine 208 with isoleucine.
Molecular consequence: missense variant.
Genome position (GRCh38, 1-based): chr2:189,088,718, C>T on the plus strand (G>A on the coding strand, the complement: COL5A2 is on the minus strand). VCF-style: chr2-189088718-C-T. GRCh37 (hg19) VCF-style: chr2-189953444-C-T.
Other names: short protein forms V208I.
Identifiers: ClinVar variation 1484133 (VCV001484133.8), dbSNP rs2105658300, ClinGen allele CA349859797.